The following is an entry in ClinVar:

ClinVar aggregate classification (germline): Uncertain significance (1 of 4 stars; one submission).

Conditions:
Parkinsonism-dystonia, infantile. Identifiers: Orphanet 238455, MedGen C2751067, MONDO:0013150.

Allele frequency attached by ClinVar (database versions not stated): gnomAD exomes 0.00001; ExAC 0.00002; TOPMed 0.00005; gnomAD 0.00009; ESP Exome Variant Server 0.00015.
gnomAD v4.1: 17 of 1,613,872 alleles (0.0011%); highest among the groups gnomAD compares: African/African-American, 0.021%; no homozygotes.

Submission:

Labcorp Genetics (formerly Invitae), Labcorp
Classification: Uncertain significance for Parkinsonism-dystonia, infantile. Last evaluated: 2018-10-04. Review status: criteria provided, single submitter. Criteria: Invitae Variant Classification Sherloc (09022015). Collection method: clinical testing. Allele origin: germline.
Comment: This sequence change replaces histidine with glutamine at codon 547 of the SLC6A3 protein (p.His547Gln). The histidine residue is moderately conserved and there is a small physicochemical difference between histidine and glutamine. In summary, the available evidence is currently insufficient to determine the role of this variant in disease. Therefore, it has been classified as a Variant of Uncertain Significance. Algorithms developed to predict the effect of sequence changes on RNA splicing suggest that this variant may create or strengthen a splice site, but this prediction has not been confirmed by published transcriptional studies. Algorithms developed to predict the effect of missense changes on protein structure and function (SIFT, PolyPhen-2, Align-GVGD) all suggest that this variant is likely to be tolerated, but these predictions have not been confirmed by published functional studies and their clinical significance is uncertain. This variant has not been reported in the literature in individuals with SLC6A3-related disease. This variant is present in population databases (rs140639546, ExAC 0.02%).

NM_001044.5(SLC6A3):c.1641C>G (p.His547Gln)

Gene: SLC6A3 (solute carrier family 6 member 3). Cytogenetic location: 5p15.33.
Variant type: single nucleotide variant.
Coding change: c.1641C>G on transcript NM_001044.5 (MANE Select); coding-DNA position 1641, C replaced by G.
Protein change: p.His547Gln; replaces histidine 547 with glutamine.
Molecular consequence: missense variant.
Genome position (GRCh38, 1-based): chr5:1,403,048, G>C on the plus strand (C>G on the coding strand, the complement: SLC6A3 is on the minus strand). VCF-style: chr5-1403048-G-C. GRCh37 (hg19) VCF-style: chr5-1403163-G-C.
Other names: short protein forms H547Q.
Identifiers: ClinVar variation 644046 (VCV000644046.10), dbSNP rs140639546, ClinGen allele CA3185956.